The following is an entry in ClinVar:

ClinVar aggregate classification (germline): Uncertain significance (1 of 4 stars; one submission).

Conditions:
Developmental and epileptic encephalopathy, 54. Also called: HNRNPU-Related Neurodevelopmental Disorder; Epileptic encephalopathy, early infantile, 54. Identifiers: MedGen C4479319, MONDO:0033363, OMIM 617391.

gnomAD v4.1: 2 of 1,528,618 alleles (0.00013%); highest among the groups gnomAD compares: South Asian, 0.0023%; no homozygotes.

Submission:

Labcorp Genetics (formerly Invitae), Labcorp
Classification: Uncertain significance for Developmental and epileptic encephalopathy, 54. Last evaluated: 2026-01-21. Review status: criteria provided, single submitter. Criteria: Invitae Variant Classification Sherloc (09022015). Collection method: clinical testing. Allele origin: germline.
Comment: This sequence change replaces tyrosine, which is neutral and polar, with cysteine, which is neutral and slightly polar, at codon 379 of the HNRNPU protein (p.Tyr379Cys). This variant is not present in population databases (gnomAD no frequency). This variant has not been reported in the literature in individuals affected with HNRNPU-related conditions. Invitae Evidence Modeling of protein sequence and biophysical properties (such as structural, functional, and spatial information, amino acid conservation, physicochemical variation, residue mobility, and thermodynamic stability) has been performed for this missense variant. However, the output from this modeling did not meet the statistical confidence thresholds required to predict the impact of this variant on HNRNPU protein function. In summary, the available evidence is currently insufficient to determine the role of this variant in disease. Therefore, it has been classified as a Variant of Uncertain Significance.

NM_031844.3(HNRNPU):c.1136A>G (p.Tyr379Cys)

Gene: HNRNPU (heterogeneous nuclear ribonucleoprotein U; minus strand). Cytogenetic location: 1q44.
Variant type: single nucleotide variant.
Coding change: c.1136A>G on transcript NM_031844.3 (MANE Select); coding-DNA position 1136, A replaced by G.
Protein change: p.Tyr379Cys; replaces tyrosine 379 with cysteine.
Molecular consequence: missense variant.
Genome position (GRCh38, 1-based): chr1:244,858,823, T>C on the plus strand (A>G on the coding strand, the complement: HNRNPU is on the minus strand). VCF-style: chr1-244858823-T-C. GRCh37 (hg19) VCF-style: chr1-245022125-T-C.
Other names: c.1079A>G, p.Tyr360Cys (NM_004501.3); short protein forms Y360C, Y379C.
Identifiers: ClinVar variation 4706180 (VCV004706180.1).